The following is an entry in ClinVar:

NM_006231.4(POLE):c.6776G>A (p.Arg2259Gln)

Gene: POLE (DNA polymerase epsilon, catalytic subunit; minus strand). Cytogenetic location: 12q24.33.
Variant type: single nucleotide variant.
Coding change: c.6776G>A on transcript NM_006231.4 (MANE Select); coding-DNA position 6776, G replaced by A.
Protein change: p.Arg2259Gln; replaces arginine 2259 with glutamine.
Molecular consequence: missense variant.
Genome position (GRCh38, 1-based): chr12:132,624,782, C>T on the plus strand (G>A on the coding strand, the complement: POLE is on the minus strand). VCF-style: chr12-132624782-C-T. GRCh37 (hg19) VCF-style: chr12-133201368-C-T.
Other names: short protein forms R2259Q.
Identifiers: ClinVar variation 405706 (VCV000405706.17), dbSNP rs762044635, ClinGen allele CA6891965.

ClinVar aggregate classification (germline): Conflicting classifications of pathogenicity. Review status: criteria provided, conflicting classifications (1 of 4 stars). 5 submissions from 5 submitters: Uncertain significance (4); Likely benign (1). Last evaluated 2025-12-22.

Conditions:
Colorectal cancer, susceptibility to, 12 (CRCS12). Also called: COLORECTAL CANCER, SUSCEPTIBILITY TO, ON CHROMOSOME 12q24. Identifiers: Orphanet 220460, MedGen C3554460, MONDO:0014038, OMIM 615083.
Hereditary cancer-predisposing syndrome. Also called: Hereditary Cancer Syndrome; Hereditary neoplastic syndrome; Neoplastic Syndromes, Hereditary; Tumor predisposition. Identifiers: Orphanet 140162, MedGen C0027672, MeSH D009386, MONDO:0015356.

Allele frequency attached by ClinVar (database versions not stated): ExAC 0.00002; gnomAD 0.00002; gnomAD exomes 0.00002 and 0.00004; TOPMed 0.00002.

Submissions (5):

Labcorp Genetics (formerly Invitae), Labcorp
Classification: Uncertain significance. Last evaluated: 2025-12-22. Review status: criteria provided, single submitter. Criteria: Invitae Variant Classification Sherloc (09022015). Collection method: clinical testing. Allele origin: germline.
Comment: This sequence change replaces arginine, which is basic and polar, with glutamine, which is neutral and polar, at codon 2259 of the POLE protein (p.Arg2259Gln). This variant is present in population databases (rs762044635, gnomAD 0.006%). This variant has not been reported in the literature in individuals affected with POLE-related conditions. ClinVar contains an entry for this variant (Variation ID: 405706). Invitae Evidence Modeling of protein sequence and biophysical properties (such as structural, functional, and spatial information, amino acid conservation, physicochemical variation, residue mobility, and thermodynamic stability) indicates that this missense variant is not expected to disrupt POLE protein function with a negative predictive value of 80%. RNA analysis performed to evaluate the impact of this missense change on mRNA splicing indicates it does not significantly alter splicing (internal data). In summary, the available evidence is currently insufficient to determine the role of this variant in disease. Therefore, it has been classified as a Variant of Uncertain Significance.

Ambry Genetics
Classification: Likely benign for Hereditary cancer-predisposing syndrome. Last evaluated: 2024-10-17. Review status: criteria provided, single submitter. Criteria: Ambry Variant Classification Scheme 2023. Collection method: clinical testing. Allele origin: germline.

GeneDx
Classification: Uncertain significance. Last evaluated: 2023-01-26. Review status: criteria provided, single submitter. Criteria: GeneDx Variant Classification Process June 2021. Collection method: clinical testing. Allele origin: germline. Affected: yes.
Comment: Not observed at significant frequency in large population cohorts (gnomAD); In silico analysis supports that this missense variant does not alter protein structure/function; Has not been previously published as pathogenic or benign to our knowledge; This variant is associated with the following publications: (PMID: 29056344, 30577881)

Quest Diagnostics Nichols Institute San Juan Capistrano
Classification: Uncertain significance. Last evaluated: 2019-10-29. Review status: criteria provided, single submitter. Criteria: Quest Diagnostics criteria. Collection method: clinical testing. Allele origin: unknown.

Knight Diagnostic Laboratories, Oregon Health and Sciences University
Classification: Uncertain significance for Colorectal cancer, susceptibility to, 12. Last evaluated: 2019-07-29. Review status: criteria provided, single submitter. Criteria: ACMG Guidelines, 2015. Collection method: clinical testing. Allele origin: germline. Observed: 1 variant allele.